The following is an entry in ClinVar:

NM_007118.4(TRIO):c.6775C>T (p.Arg2259Trp)

Gene: TRIO (trio Rho guanine nucleotide exchange factor; plus strand). Cytogenetic location: 5p15.2.
Variant type: single nucleotide variant.
Coding change: c.6775C>T on transcript NM_007118.4 (MANE Select); coding-DNA position 6775, C replaced by T.
Protein change: p.Arg2259Trp; replaces arginine 2259 with tryptophan.
Molecular consequence: missense variant. On other transcripts: non-coding transcript variant (1).
Genome position (GRCh38, 1-based): chr5:14,485,186, C>T. VCF-style: chr5-14485186-C-T. GRCh37 (hg19) VCF-style: chr5-14485295-C-T.
Other names: short protein forms R2259W.
Identifiers: ClinVar variation 1327835 (VCV001327835.4), dbSNP rs2126624668, ClinGen allele CA359236105.

ClinVar aggregate classification (germline): Uncertain significance. Review status: criteria provided, multiple submitters, no conflicts (2 of 4 stars). 2 submissions from 2 submitters: Uncertain significance (2). Last evaluated 2022-02-21.

Submissions (2):

Greenwood Genetic Center Diagnostic Laboratories, Greenwood Genetic Center
Classification: Uncertain significance. Last evaluated: 2022-02-21. Review status: criteria provided, single submitter. Criteria: ACMG Guidelines, 2015. Collection method: clinical testing. Allele origin: germline. Affected: yes.
Comment: PM2, PP2

GeneDx
Classification: Uncertain significance. Last evaluated: 2021-06-07. Review status: criteria provided, single submitter. Criteria: GeneDx Variant Classification Process June 2021. Collection method: clinical testing. Allele origin: germline. Affected: yes.
Comment: Not observed at significant frequency in large population cohorts (Lek et al., 2016); In silico analysis supports that this missense variant has a deleterious effect on protein structure/function; Has not been previously published as pathogenic or benign to our knowledge; This variant is associated with the following publications: (PMID: 27535533)